The following is an entry in ClinVar:

NM_000071.3(CBS):c.209+236G>A

Gene: CBS (cystathionine beta-synthase; minus strand). Cytogenetic location: 21q22.3.
Variant type: single nucleotide variant.
Coding change: c.209+236G>A on transcript NM_000071.3 (MANE Select); 236 bases into the intron after coding-DNA position 209, G replaced by A.
Molecular consequence: intron variant.
Genome position (GRCh38, 1-based): chr21:43,071,749, C>T on the plus strand (G>A on the coding strand, the complement: CBS is on the minus strand). VCF-style: chr21-43071749-C-T. GRCh37 (hg19) VCF-style: chr21-44491859-C-T.
Other names: c.209+236G>A (NM_001320298.2, NM_001178009.3, NM_001178008.3).
Identifiers: ClinVar variation 679089 (VCV000679089.1), dbSNP rs115368814, ClinGen allele CA321103381.

ClinVar aggregate classification (germline): Likely benign (1 of 4 stars; one submission).

Allele frequency attached by ClinVar (database versions not stated): gnomAD 0.00742; 1000 Genomes Project 0.00819.

Submission:

GeneDx
Classification: Likely benign. Last evaluated: 2018-06-14. Review status: criteria provided, single submitter. Criteria: GeneDx Variant Classification (06012015). Collection method: clinical testing. Allele origin: germline. Affected: yes.
Comment: This variant is considered likely benign or benign based on one or more of the following criteria: it is a conservative change, it occurs at a poorly conserved position in the protein, it is predicted to be benign by multiple in silico algorithms, and/or has population frequency not consistent with disease.